The following is an entry in ClinVar:

NM_000245.4(MET):c.3032A>G (p.Gln1011Arg)

Gene: MET (MET proto-oncogene, receptor tyrosine kinase; plus strand). Cytogenetic location: 7q31.2.
Variant type: single nucleotide variant.
Coding change: c.3032A>G on transcript NM_000245.4 (MANE Select); coding-DNA position 3032, A replaced by G.
Protein change: p.Gln1011Arg; replaces glutamine 1011 with arginine.
Molecular consequence: missense variant.
Genome position (GRCh38, 1-based): chr7:116,774,884, A>G. VCF-style: chr7-116774884-A-G. GRCh37 (hg19) VCF-style: chr7-116414938-A-G.
Other names: c.3086A>G, p.Gln1029Arg (NM_001127500.3); c.1742A>G, p.Gln581Arg (NM_001324402.2); short protein forms Q1011R, Q1029R, Q581R.
Identifiers: ClinVar variation 3232968 (VCV003232968.2), dbSNP rs1286754741, ClinGen allele CA368987753.

ClinVar aggregate classification (germline): Uncertain significance (1 of 4 stars; one submission).

Conditions:
Hereditary cancer-predisposing syndrome. Also called: Neoplastic Syndromes, Hereditary; Tumor predisposition; Hereditary neoplastic syndrome; Hereditary Cancer Syndrome. Identifiers: Orphanet 140162, MedGen C0027672, MeSH D009386, MONDO:0015356.

Allele frequency attached by ClinVar (database versions not stated): gnomAD exomes below 0.00001.
gnomAD v4.1: 1 of 1,613,648 alleles (0.000062%); highest among the groups gnomAD compares: Non-Finnish European, 0.000085%; no homozygotes.

Submission:

Ambry Genetics
Classification: Uncertain significance for Hereditary cancer-predisposing syndrome. Last evaluated: 2025-05-19. Review status: criteria provided, single submitter. Criteria: Ambry Variant Classification Scheme 2023. Collection method: clinical testing. Allele origin: germline.
Comment: The p.Q1029R variant (also known as c.3086A>G), located in coding exon 14 of the MET gene, results from an A to G substitution at nucleotide position 3086. The glutamine at codon 1029 is replaced by arginine, an amino acid with highly similar properties. This amino acid position is well conserved in available vertebrate species. In addition, the in silico prediction for this alteration is inconclusive. Based on the available evidence, the clinical significance of this variant remains unclear.